The following is an entry in ClinVar:

NM_138477.4(CDAN1):c.3124C>T (p.Arg1042Trp)

Gene: CDAN1 (codanin 1; minus strand). Cytogenetic location: 15q15.2.
Variant type: single nucleotide variant.
Coding change: c.3124C>T on transcript NM_138477.4 (MANE Select); coding-DNA position 3124, C replaced by T.
Protein change: p.Arg1042Trp; replaces arginine 1042 with tryptophan.
Molecular consequence: missense variant.
Genome position (GRCh38, 1-based): chr15:42,726,390, G>A on the plus strand (C>T on the coding strand, the complement: CDAN1 is on the minus strand). VCF-style: chr15-42726390-G-A. GRCh37 (hg19) VCF-style: chr15-43018588-G-A.
Other names: R1040W; NM_138477.4(CDAN1):c.3124C>T; short protein forms R1042W.
Identifiers: ClinVar variation 3176 (VCV000003176.50), dbSNP rs80338697, ClinGen allele CA342451.

ClinVar aggregate classification (germline): Pathogenic/Likely pathogenic. Review status: criteria provided, multiple submitters, no conflicts (2 of 4 stars). 10 submissions from 10 submitters: Pathogenic (6); Likely pathogenic (2). 2 of the submissions do not count toward it. Last evaluated 2025-08-20.

Conditions:
Anemia, congenital dyserythropoietic, type 1a (CDAN1A). Also called: CDAN1-Related Congenital Dyserythropoietic Anemia; DYSERYTHROPOIETIC ANEMIA, CONGENITAL, TYPE Ia. Identifiers: MedGen C5574667, MONDO:0009135, OMIM 224120.
Congenital dyserythropoietic anemia, type I. Also called: Dyserythropoietic anemia, congenital type 1. Identifiers: Orphanet 98869, MedGen C0271933, MONDO:0020337. Disease mechanism: loss of function.

Allele frequency attached by ClinVar (database versions not stated): ExAC 0.00004.
gnomAD v4.1: 18 of 1,597,972 alleles (0.0011%); highest among the groups gnomAD compares: East Asian, 0.0023%; no homozygotes.

Submissions (10):

Mayo Clinic Laboratories, Mayo Clinic
Classification: Pathogenic. Last evaluated: 2025-08-20. Review status: criteria provided, single submitter. Criteria: ACMG Guidelines, 2015. Collection method: clinical testing. Allele origin: germline. Observed: 2 variant alleles.
Comment: PP1, PP3_moderate, PM2_supporting, PM3, PS3

Labcorp Genetics (formerly Invitae), Labcorp
Classification: Pathogenic. Last evaluated: 2025-06-10. Review status: criteria provided, single submitter. Criteria: Invitae Variant Classification Sherloc (09022015). Collection method: clinical testing. Allele origin: germline.
Comment: This sequence change replaces arginine, which is basic and polar, with tryptophan, which is neutral and slightly polar, at codon 1042 of the CDAN1 protein (p.Arg1042Trp). The frequency data for this variant in the population databases is considered unreliable, as metrics indicate poor data quality at this position in the gnomAD database. This missense change has been observed in individuals with congenital dyserythropoietic anemia (PMID: 12434312, 18081704). It is commonly reported in individuals of Bedouin ancestry (PMID: 12434312, 15543010, 28755517). This variant is also known as Arg1040Trp, Bedouin mutation. ClinVar contains an entry for this variant (Variation ID: 3176). An algorithm developed to predict the effect of missense changes on protein structure and function (PolyPhen-2) suggests that this variant is likely to be disruptive. Experimental studies have shown that this missense change affects CDAN1 function (PMID: 21364188). For these reasons, this variant has been classified as Pathogenic.

3billion
Classification: Pathogenic for Anemia, congenital dyserythropoietic, type 1a. Last evaluated: 2025-01-17. Review status: criteria provided, single submitter. Criteria: ACMG Guidelines, 2015. Collection method: clinical testing. Allele origin: germline. Affected: yes.
Comment: The variant is observed at an extremely low frequency in the gnomAD v4.1.0 dataset (total allele frequency: 0.001%). Predicted Consequence/Location: Missense variant Functional studies provide moderate evidence of the variant having a damaging effect on the gene or gene product (PMID: 22407294). In silico tool predictions suggest damaging effect of the variant on gene or gene product [REVEL: 0.84 (>=0.6, sensitivity 0.68 and specificity 0.92); 3Cnet: 0.70 (>=0.6, sensitivity 0.72 and precision 0.9)]. The same nucleotide change resulting in the same amino acid change has been previously reported as pathogenic/likely pathogenic with strong evidence (ClinVar ID: VCV000003176 /PMID: 12434312). Therefore, this variant is classified as Pathogenic according to the recommendation of ACMG/AMP guideline.

Department of Human Genetics, Hannover Medical School
Classification: Pathogenic for Anemia, congenital dyserythropoietic, type 1a. Last evaluated: 2023-08-30. Review status: criteria provided, single submitter. Criteria: ACMG Guidelines, 2015. Collection method: clinical testing. Allele origin: germline. Inheritance: Autosomal recessive inheritance. Affected: yes.

Neuberg Centre For Genomic Medicine, NCGM
Classification: Pathogenic for Anemia, congenital dyserythropoietic, type 1a. Last evaluated: 2023-05-20. Review status: criteria provided, single submitter. Criteria: ACMG Guidelines, 2015. Collection method: clinical testing. Allele origin: germline. Inheritance: Autosomal recessive inheritance. Affected: yes.
Comment: The missense variant c.3124C>T (p.Arg1042Trp) in the CDAN1 gene has been reported previously in homozygous state in multiple individuals affected with Congenital dyserythropoietic anaemia. This variant is considered as a founder mutation in Israeli Bedouin patients. In vitro, functional studies provide some evidence that the p.Arg1042Trp variant may impact protein function (Ask et al., 2012; Tamary et al., 2008; Dgany et al., 2002). This variant is reported with the allele frequency (0.0009%) in the gnomAD. It is submitted to ClinVar with varying interpretations as Pathogenic/Likely Pathogenic. The amino acid Arginine at position 1042 is changed to a Tryptophan changing protein sequence and it might alter its composition and physico-chemical properties. Multiple lines of computational evidence (Polyphen - Damaging, SIFT - Damaging) predict a damaging effect on protein structure and function for this variant. The amino acid change p.Arg1042Trp in CDAN1 is predicted as conserved by GERP++ and PhyloP across 100 vertebrates. For these reasons, this variant has been classified as Pathogenic.

Department of Pathology and Laboratory Medicine, Sinai Health System
Classification: Likely pathogenic for Anemia, congenital dyserythropoietic, type 1a. Last evaluated: 2023-02-04. Review status: criteria provided, single submitter. Criteria: ACMG Guidelines, 2015. Collection method: research. Allele origin: germline.

Broad Center for Mendelian Genomics, Broad Institute of MIT and Harvard
Classification: Likely pathogenic for Anemia, congenital dyserythropoietic, type 1a. Last evaluated: 2022-05-04. Review status: criteria provided, single submitter. Criteria: ACMG Guidelines, 2015. Collection method: curation. Allele origin: germline. Inheritance: Autosomal recessive inheritance.
Comment: The variant has been reported in at least 10 Israeli Bedouin individuals with anemia, congenital dyserythropoietic, type 1a (PMID: 12434312, 18081704), segregated with disease in at least 4 affected relatives from at least one family (PMID: 12434312), and has been identified in 0.01% (1/9396) of Ashkenazi Jewish and 0.006% (1/16548) of East Asian chromosomes by the Genome Aggregation Database (gnomAD; dbSNP ID: rs80338697). Although this variant has been seen in the general population, its frequency is not high enough to rule out a pathogenic role. This variant has also been reported in ClinVar (Variation ID: 3176) as pathogenic by OMIM, GeneReviews, and CeGaT Praxis fuer Humangenetik Tuebingen. In vitro functional studies provide some evidence that the p.Arg1042Trp variant may impact protein function (PMID: 22407294). However, these types of assays may not accurately represent biological function. Computational prediction tools and conservation analyses suggest that this variant may impact the protein, though this information is not predictive enough to determine pathogenicity. The presence of this variant in at least 10 affected homozygotes, and in at least 10 individuals with anemia, congenital dyserythropoietic, type 1a increases the likelihood that the p.Arg1042Trp variant is pathogenic (PMID: 12434312, 18081704). Multiple variants in the same region as p.Arg1042Trp have been reported in association with disease, suggesting that this variant is in a hot spot and slightly supports pathogenicity (PMID: 18081704). In summary, although additional studies are required to fully establish its clinical significance, this variant is likely pathogenic. ACMG/AMP Criteria applied: PP1_strong, PM3, PM1_supporting, PS3_supporting, PP3 (Richards 2015).

CeGaT Center for Human Genetics Tuebingen
Classification: Pathogenic. Last evaluated: 2019-04-01. Review status: criteria provided, single submitter. Criteria: CeGaT Center For Human Genetics Tuebingen Variant Classification Criteria Version 2. Collection method: clinical testing. Allele origin: germline. Affected: yes. Observed: 1 variant allele.

OMIM
Classification: Pathogenic for ANEMIA, CONGENITAL DYSERYTHROPOIETIC, TYPE Ia. Last evaluated: 2002-12-01. Review status: no assertion criteria provided. Collection method: literature only. Allele origin: germline. Not counted in ClinVar's aggregate classification.

GeneReviews
No classification provided. Condition: Anemia, congenital dyserythropoietic, type 1a. Review status: no classification provided. Collection method: literature only. Allele origin: germline. Not counted in ClinVar's aggregate classification.
Comment: Founder variant in Bedouin population

Literature cited by the submitters: PubMed 12434312 (cited by 5 submitters); PubMed 15543010 (cited by Mayo Clinic Laboratories, Mayo Clinic and Labcorp Genetics (formerly Invitae), Labcorp); PubMed 18081704 (cited by 3 submitters); PubMed 20301759 (cited by Mayo Clinic Laboratories, Mayo Clinic and GeneReviews); PubMed 21364188 (cited by Mayo Clinic Laboratories, Mayo Clinic and Labcorp Genetics (formerly Invitae), Labcorp); PubMed 22407294 (cited by Mayo Clinic Laboratories, Mayo Clinic and 3billion); PubMed 27206021 (cited by Mayo Clinic Laboratories, Mayo Clinic); PubMed 28755517 (cited by Mayo Clinic Laboratories, Mayo Clinic and Labcorp Genetics (formerly Invitae), Labcorp).